The following is an entry in ClinVar:

ClinVar aggregate classification (germline): Pathogenic (1 of 4 stars; one submission).

Conditions:
Deficiency of steroid 11-beta-monooxygenase (CYP11B1). Also called: ADRENAL HYPERPLASIA, CONGENITAL, DUE TO STEROID 11-BETA-HYDROXYLASE DEFICIENCY; P450C11B1 DEFICIENCY; STEROID 11-BETA-HYDROXYLASE DEFICIENCY; Congenital adrenal hyperplasia due to 11-beta-hydroxylase deficiency; 11-BETA-HYDROXYLASE DEFICIENCY; ADRENAL HYPERPLASIA IV. Identifiers: Orphanet 90795, MedGen C0268292, MONDO:0008729, OMIM 202010. Disease mechanism: loss of function.

Submission:

Myriad Genetics, Inc.
Classification: Pathogenic for Deficiency of steroid 11-beta-monooxygenase. Last evaluated: 2025-11-05. Review status: criteria provided, single submitter. Criteria: Myriad Autosomal Dominant, Autosomal Recessive and X-Linked Classification Criteria (2023). Collection method: clinical testing. Allele origin: unknown.
Comment: NM_000497.3(CYP11B1):c.1138_1139delCT(L380Vfs*41) is a frameshift variant classified as pathogenic in the context of congenital adrenal hyperplasia, CYP11B1-related. L380Vfs*41 has been observed in a case with relevant disease (PMID: 26806323). Relevant functional assessments of this variant are available in the literature (PMID: 26806323). L380Vfs*41 has not been observed in referenced population frequency databases. In summary, NM_000497.3(CYP11B1):c.1138_1139delCT(L380Vfs*41) is a frameshift variant that has functional support for pathogenicity and has been observed more frequently in cases with the relevant disease than in healthy populations. Please note: this variant was assessed in the context of healthy population screening.

Literature cited by the submitters: PubMed 26806323.

NM_000497.4(CYP11B1):c.1138_1139del (p.Leu380fs)

Genes: CYP11B1 (cytochrome P450 family 11 subfamily B member 1; minus strand), LOC106799833 (CYP11B1 recombination region; plus strand). Cytogenetic location: 8q24.3.
Variant type: Deletion.
Coding change: c.1138_1139del on transcript NM_000497.4 (MANE Select); coding-DNA positions 1138 to 1139, 2 bases deleted (CT; older notation c.1138_1139delCT).
Protein change: p.Leu380fs; shifts the reading frame from leucine 380.
Molecular consequence: frameshift variant.
Genome position (GRCh38, 1-based): chr8:142,875,295-142,875,296, AG deleted on the plus strand (CT on the coding strand, the reverse complement: CYP11B1 is on the minus strand); deleting any 2 consecutive bases within chr8:142,875,295-142,875,297 gives the same sequence; the c. name uses the placement nearest the transcript's 3' end. VCF-style (leftmost placement, unchanged base first): chr8-142875294-CAG-C. GRCh37 (hg19) VCF-style: chr8-143956710-CAG-C.
Other names: c.1138_1139del, p.Leu380fs (NM_001026213.1); short protein forms L380fs.
Identifiers: ClinVar variation 5003296 (VCV005003296.1).